The following is an entry in ClinVar:

ClinVar aggregate classification (germline): Conflicting classifications of pathogenicity. Review status: criteria provided, conflicting classifications (1 of 4 stars). 3 submissions from 3 submitters: Uncertain significance (2); Likely benign (1). Last evaluated 2025-09-08.

Conditions:
Hereditary cancer-predisposing syndrome. Also called: Hereditary Cancer Syndrome; Tumor predisposition; Neoplastic Syndromes, Hereditary; Hereditary neoplastic syndrome. Identifiers: Orphanet 140162, MedGen C0027672, MeSH D009386, MONDO:0015356.

Allele frequency attached by ClinVar (database versions not stated): gnomAD exomes below 0.00001 and 0.00001; TOPMed below 0.00001; ExAC 0.00001.

Submissions (3):

Labcorp Genetics (formerly Invitae), Labcorp
Classification: Uncertain significance. Last evaluated: 2025-09-08. Review status: criteria provided, single submitter. Criteria: Invitae Variant Classification Sherloc (09022015). Collection method: clinical testing. Allele origin: germline.
Comment: This sequence change replaces aspartic acid, which is acidic and polar, with asparagine, which is neutral and polar, at codon 203 of the POLE protein (p.Asp203Asn). This variant is present in population databases (rs778186722, gnomAD 0.003%). This variant has not been reported in the literature in individuals affected with POLE-related conditions. ClinVar contains an entry for this variant (Variation ID: 1016433). Invitae Evidence Modeling of protein sequence and biophysical properties (such as structural, functional, and spatial information, amino acid conservation, physicochemical variation, residue mobility, and thermodynamic stability) indicates that this missense variant is not expected to disrupt POLE protein function with a negative predictive value of 80%. In summary, the available evidence is currently insufficient to determine the role of this variant in disease. Therefore, it has been classified as a Variant of Uncertain Significance.

Ambry Genetics
Classification: Likely benign for Hereditary cancer-predisposing syndrome. Last evaluated: 2025-03-27. Review status: criteria provided, single submitter. Criteria: Ambry Variant Classification Scheme 2023. Collection method: clinical testing. Allele origin: germline.

GeneDx
Classification: Uncertain significance. Last evaluated: 2024-03-27. Review status: criteria provided, single submitter. Criteria: GeneDx Variant Classification Process June 2021. Collection method: clinical testing. Allele origin: germline. Affected: yes.
Comment: Not observed at significant frequency in large population cohorts (gnomAD); In silico analysis supports that this missense variant does not alter protein structure/function; Has not been previously published as pathogenic or benign to our knowledge

NM_006231.4(POLE):c.607G>A (p.Asp203Asn)

Gene: POLE (DNA polymerase epsilon, catalytic subunit; minus strand). Cytogenetic location: 12q24.33.
Variant type: single nucleotide variant.
Coding change: c.607G>A on transcript NM_006231.4 (MANE Select); coding-DNA position 607, G replaced by A.
Protein change: p.Asp203Asn; replaces aspartic acid 203 with asparagine.
Molecular consequence: missense variant.
Genome position (GRCh38, 1-based): chr12:132,677,691, C>T on the plus strand (G>A on the coding strand, the complement: POLE is on the minus strand). VCF-style: chr12-132677691-C-T. GRCh37 (hg19) VCF-style: chr12-133254277-C-T.
Other names: c.607G>A (NM_006231.2); short protein forms D203N.
Identifiers: ClinVar variation 1016433 (VCV001016433.10), dbSNP rs778186722, ClinGen allele CA6894254.